The following is an entry in ClinVar:

NM_001377.3(DYNC2H1):c.3560T>C (p.Val1187Ala)

Gene: DYNC2H1 (dynein cytoplasmic 2 heavy chain 1; plus strand). Cytogenetic location: 11q22.3.
Variant type: single nucleotide variant.
Coding change: c.3560T>C on transcript NM_001377.3 (MANE Select); coding-DNA position 3560, T replaced by C.
Protein change: p.Val1187Ala; replaces valine 1187 with alanine.
Molecular consequence: missense variant.
Genome position (GRCh38, 1-based): chr11:103,154,796, T>C. VCF-style: chr11-103154796-T-C. GRCh37 (hg19) VCF-style: chr11-103025525-T-C.
Other names: c.3560T>C, p.Val1187Ala (NM_001080463.2); short protein forms V1187A.
Identifiers: ClinVar variation 1368853 (VCV001368853.6), dbSNP rs2134886800, ClinGen allele CA382273621.

ClinVar aggregate classification (germline): Uncertain significance (1 of 4 stars; one submission).

Conditions:
Jeune thoracic dystrophy. Also called: Jeune syndrome; Infantile thoracic dystrophy; Thoracic pelvic phalangeal dystrophy; Jeune's syndrome; Chondroectodermal dysplasia-like syndrome; Short-rib thoracic dysplasia. Identifiers: Orphanet 474, MedGen C0265275, MONDO:0018770.

Submission:

Labcorp Genetics (formerly Invitae), Labcorp
Classification: Uncertain significance for Jeune thoracic dystrophy. Last evaluated: 2025-06-23. Review status: criteria provided, single submitter. Criteria: Invitae Variant Classification Sherloc (09022015). Collection method: clinical testing. Allele origin: germline.
Comment: This sequence change replaces valine, which is neutral and non-polar, with alanine, which is neutral and non-polar, at codon 1187 of the DYNC2H1 protein (p.Val1187Ala). This variant is not present in population databases (gnomAD no frequency). This variant has not been reported in the literature in individuals affected with DYNC2H1-related conditions. ClinVar contains an entry for this variant (Variation ID: 1368853). Invitae Evidence Modeling of protein sequence and biophysical properties (such as structural, functional, and spatial information, amino acid conservation, physicochemical variation, residue mobility, and thermodynamic stability) indicates that this missense variant is expected to disrupt DYNC2H1 protein function with a positive predictive value of 95%. In summary, the available evidence is currently insufficient to determine the role of this variant in disease. Therefore, it has been classified as a Variant of Uncertain Significance.